The following is an entry in ClinVar:

NM_001363711.2(DUOX2):c.*37C>T

Gene: DUOX2 (dual oxidase 2; minus strand). Cytogenetic location: 15q21.1.
Variant type: single nucleotide variant.
Coding change: c.*37C>T on transcript NM_001363711.2 (MANE Select); 37 bases downstream of the stop codon, C replaced by T.
Molecular consequence: 3 prime UTR variant.
Genome position (GRCh38, 1-based): chr15:45,094,113, G>A on the plus strand (C>T on the coding strand, the complement: DUOX2 is on the minus strand). VCF-style: chr15-45094113-G-A. GRCh37 (hg19) VCF-style: chr15-45386311-G-A.
Other names: c.*37C>T (NM_014080.5).
Identifiers: ClinVar variation 316132 (VCV000316132.8), dbSNP rs75163715, ClinGen allele CA7537436.

ClinVar aggregate classification (germline): Benign. Review status: criteria provided, multiple submitters, no conflicts (2 of 4 stars). 3 submissions from 3 submitters: Benign (3). Last evaluated 2018-07-09.

Conditions:
Thyroid dyshormonogenesis 6 (TDH6). Also called: THYROID HORMONOGENESIS, GENETIC DEFECT IN, 6; Genetic transient congenital hypothyroidism; HYPOTHYROIDISM, CONGENITAL, DUE TO DYSHORMONOGENESIS, 6. Identifiers: Orphanet 226316, Orphanet 95716, MedGen C1846632, MONDO:0011792, OMIM 607200.

Allele frequency attached by ClinVar (database versions not stated): gnomAD exomes 0.00344 and 0.00914; ExAC 0.01168; gnomAD 0.03734 and 0.04007; 1000 Genomes Project 0.04034; TOPMed 0.04231; ESP Exome Variant Server 0.04318; 1000 Genomes Project 30x 0.04435.

Submissions (3):

GeneDx
Classification: Benign. Last evaluated: 2018-07-09. Review status: criteria provided, single submitter. Criteria: GeneDx Variant Classification Process June 2021. Collection method: clinical testing. Allele origin: germline. Affected: yes.

Illumina Laboratory Services, Illumina
Classification: Benign for Thyroid dyshormonogenesis 6. Last evaluated: 2018-01-12. Review status: criteria provided, single submitter. Criteria: ICSL Variant Classification Criteria 13 December 2019. Collection method: clinical testing. Allele origin: germline.
Comment: This variant was observed in the ICSL laboratory as part of a predisposition screen in an ostensibly healthy population. It had not been previously curated by ICSL or reported in the Human Gene Mutation Database (HGMD: prior to June 1st, 2018), and was therefore a candidate for classification through an automated scoring system. Utilizing variant allele frequency, disease prevalence and penetrance estimates, and inheritance mode, an automated score was calculated to assess if this variant is too frequent to cause the disease. Based on the score and internal cut-off values, a variant classified as benign is not then subjected to further curation. The score for this variant resulted in a classification of benign for this disease.

Breakthrough Genomics
Classification: Benign. Review status: criteria provided, single submitter. Criteria: ACMG Guidelines, 2015. Collection method: not provided. Allele origin: germline. Inheritance: Autosomal recessive inheritance. Affected: yes.